The following is an entry in ClinVar:

ClinVar aggregate classification (germline): Pathogenic (1 of 4 stars; one submission).

Conditions:
Maple syrup urine disease (MSUD). Identifiers: Orphanet 511, MedGen C0024776, MeSH D008375, MONDO:0009563. Disease mechanism: loss of function.

Submission:

Labcorp Genetics (formerly Invitae), Labcorp
Classification: Pathogenic for Maple syrup urine disease. Last evaluated: 2022-07-22. Review status: criteria provided, single submitter. Criteria: Invitae Variant Classification Sherloc (09022015). Collection method: clinical testing. Allele origin: germline.
Comment: For these reasons, this variant has been classified as Pathogenic. This variant has not been reported in the literature in individuals affected with BCKDHB-related conditions. This variant is a gross deletion of the genomic region encompassing exon(s) 4-5 of the BCKDHB gene. This deletion is out-of-frame, and is expected to create a premature termination codon and result in an absent or disrupted protein product. Loss-of-function variants in BCKDHB are known to be pathogenic (PMID: 16786533, 22593002).

Literature cited by the submitters: PubMed 16786533; PubMed 22593002.

NC_000006.11:g.(?_80877385)_(80878757_?)del

Gene: BCKDHB (branched chain keto acid dehydrogenase E1 subunit beta; plus strand). Cytogenetic location: 6q14.1.
Variant type: Deletion.
Identifiers: ClinVar variation 2427613 (VCV002427613.4).